The following is an entry in ClinVar:

ClinVar aggregate classification (germline): Uncertain significance (1 of 4 stars; one submission).

Conditions:
EGFR-related lung cancer (EGFR). Identifiers: MedGen CN130014.

Allele frequency attached by ClinVar (database versions not stated): gnomAD exomes below 0.00001.
gnomAD v4.1: 1 of 1,614,190 alleles (0.000062%); highest among the groups gnomAD compares: Non-Finnish European, 0.000085%; no homozygotes.

Submission:

Labcorp Genetics (formerly Invitae), Labcorp
Classification: Uncertain significance for EGFR-related lung cancer. Last evaluated: 2021-03-06. Review status: criteria provided, single submitter. Criteria: Invitae Variant Classification Sherloc (09022015). Collection method: clinical testing. Allele origin: germline.
Comment: In summary, the available evidence is currently insufficient to determine the role of this variant in disease. Therefore, it has been classified as a Variant of Uncertain Significance. Algorithms developed to predict the effect of missense changes on protein structure and function (SIFT, PolyPhen-2, Align-GVGD) all suggest that this variant is likely to be tolerated, but these predictions have not been confirmed by published functional studies and their clinical significance is uncertain. This variant has not been reported in the literature in individuals with EGFR-related conditions. This variant is not present in population databases (ExAC no frequency). This sequence change replaces serine with glycine at codon 198 of the EGFR protein (p.Ser198Gly). The serine residue is moderately conserved and there is a small physicochemical difference between serine and glycine.

NM_005228.5(EGFR):c.592A>G (p.Ser198Gly)

Gene: EGFR (epidermal growth factor receptor; plus strand). Cytogenetic location: 7p11.2.
Variant type: single nucleotide variant.
Coding change: c.592A>G on transcript NM_005228.5 (MANE Select); coding-DNA position 592, A replaced by G.
Protein change: p.Ser198Gly; replaces serine 198 with glycine.
Molecular consequence: missense variant. On other transcripts: intron variant (1).
Genome position (GRCh38, 1-based): chr7:55,151,326, A>G. VCF-style: chr7-55151326-A-G. GRCh37 (hg19) VCF-style: chr7-55219019-A-G.
Other names: c.457A>G, p.Ser153Gly (NM_001346897.2, NM_001346899.2); c.592A>G, p.Ser198Gly (NM_001346898.2, NM_201282.2, NM_201283.2 and 1 more transcripts); c.433A>G, p.Ser145Gly (NM_001346900.2); c.89-4504A>G (NM_001346941.2); short protein forms S145G, S153G, S198G.
Identifiers: ClinVar variation 1058025 (VCV001058025.9), dbSNP rs2128932547, ClinGen allele CA367576854.